The following is an entry in ClinVar:

ClinVar aggregate classification (germline): Uncertain significance. Review status: criteria provided, multiple submitters, no conflicts (2 of 4 stars). 2 submissions from 2 submitters: Uncertain significance (2). Last evaluated 2025-11-02.

Conditions:
Mitochondrial complex II deficiency, nuclear type 1. Also called: SUCCINATE CoQ REDUCTASE DEFICIENCY. Identifiers: Orphanet 3208, MedGen C5700310, MONDO:0100294, OMIM 252011.
Pheochromocytoma/paraganglioma syndrome 5. Also called: SDHA-Related Hereditary Paraganglioma-Pheochromocytoma Syndrome; Paragangliomas 5. Identifiers: Orphanet 29072, MedGen C3279992, MONDO:0013602, OMIM 614165.
Hereditary cancer-predisposing syndrome. Also called: Neoplastic Syndromes, Hereditary; Hereditary Cancer Syndrome; Tumor predisposition; Hereditary neoplastic syndrome. Identifiers: Orphanet 140162, MedGen C0027672, MeSH D009386, MONDO:0015356.

Allele frequency attached by ClinVar (database versions not stated): gnomAD exomes below 0.00001.

Submissions (2):

Ambry Genetics
Classification: Uncertain significance for Hereditary cancer-predisposing syndrome. Last evaluated: 2025-11-02. Review status: criteria provided, single submitter. Criteria: Ambry Variant Classification Scheme 2023. Collection method: clinical testing. Allele origin: germline.
Comment: The p.A146V variant (also known as c.437C>T), located in coding exon 4 of the SDHA gene, results from a C to T substitution at nucleotide position 437. The alanine at codon 146 is replaced by valine, an amino acid with similar properties. This amino acid position is conserved. In addition, this alteration is predicted to be deleterious by in silico analysis. Since supporting evidence is limited at this time, the clinical significance of this alteration remains unclear.

Labcorp Genetics (formerly Invitae), Labcorp
Classification: Uncertain significance for Pheochromocytoma/paraganglioma syndrome 5; Mitochondrial complex II deficiency, nuclear type 1. Last evaluated: 2025-06-09. Review status: criteria provided, single submitter. Criteria: Invitae Variant Classification Sherloc (09022015). Collection method: clinical testing. Allele origin: germline.
Comment: This sequence change replaces alanine, which is neutral and non-polar, with valine, which is neutral and non-polar, at codon 146 of the SDHA protein (p.Ala146Val). This variant is not present in population databases (gnomAD no frequency). This variant has not been reported in the literature in individuals affected with SDHA-related conditions. ClinVar contains an entry for this variant (Variation ID: 412365). Invitae Evidence Modeling of protein sequence and biophysical properties (such as structural, functional, and spatial information, amino acid conservation, physicochemical variation, residue mobility, and thermodynamic stability) has been performed for this missense variant. However, the output from this modeling did not meet the statistical confidence thresholds required to predict the impact of this variant on SDHA protein function. Algorithms developed to predict the effect of sequence changes on RNA splicing suggest that this variant may create or strengthen a splice site. In summary, the available evidence is currently insufficient to determine the role of this variant in disease. Therefore, it has been classified as a Variant of Uncertain Significance.

NM_004168.4(SDHA):c.437C>T (p.Ala146Val)

Gene: SDHA (succinate dehydrogenase complex flavoprotein subunit A; plus strand). Cytogenetic location: 5p15.33.
Variant type: single nucleotide variant.
Coding change: c.437C>T on transcript NM_004168.4 (MANE Select); coding-DNA position 437, C replaced by T.
Protein change: p.Ala146Val; replaces alanine 146 with valine.
Molecular consequence: missense variant. On other transcripts: intron variant (1).
Genome position (GRCh38, 1-based): chr5:225,543, C>T. VCF-style: chr5-225543-C-T. GRCh37 (hg19) VCF-style: chr5-225658-C-T.
Other names: c.437C>T, p.Ala146Val (NM_001330758.2); c.313-340C>T (NM_001294332.2); c.437C>T (NM_004168.2); short protein forms A146V.
Identifiers: ClinVar variation 412365 (VCV000412365.12), dbSNP rs1060503714, ClinGen allele CA16611930.